The following is an entry in ClinVar:

NM_000038.6(APC):c.8072A>T (p.Asn2691Ile)

Gene: APC (APC regulator of Wnt signaling pathway; plus strand). Cytogenetic location: 5q22.2.
Variant type: single nucleotide variant.
Coding change: c.8072A>T on transcript NM_000038.6 (MANE Select); coding-DNA position 8072, A replaced by T.
Protein change: p.Asn2691Ile; replaces asparagine 2691 with isoleucine.
Molecular consequence: missense variant.
Genome position (GRCh38, 1-based): chr5:112,843,666, A>T. VCF-style: chr5-112843666-A-T. GRCh37 (hg19) VCF-style: chr5-112179363-A-T.
Other names: c.8072A>T, p.Asn2691Ile (NM_001127510.3, NM_001354895.2); c.8018A>T, p.Asn2673Ile (NM_001127511.3); c.8126A>T, p.Asn2709Ile (NM_001354896.2); c.8102A>T, p.Asn2701Ile (NM_001354897.2); c.7997A>T, p.Asn2666Ile (NM_001354898.2); c.7988A>T, p.Asn2663Ile (NM_001354899.2); c.7949A>T, p.Asn2650Ile (NM_001354900.2); c.7895A>T, p.Asn2632Ile (NM_001354901.2); and 5 more; short protein forms N2673I, N2691I, N2565I, N2666I, N2590I, N2632I, N2663I, N2408I.
Identifiers: ClinVar variation 490370 (VCV000490370.18), dbSNP rs1454228756, ClinGen allele CA16038859.

ClinVar aggregate classification (germline): Uncertain significance. Review status: criteria provided, multiple submitters, no conflicts (2 of 4 stars). 5 submissions from 5 submitters: Uncertain significance (5). Last evaluated 2024-03-01.

Conditions:
Familial adenomatous polyposis 1 (FAP1). Also called: POLYPOSIS, ADENOMATOUS INTESTINAL; FAMILIAL ADENOMATOUS POLYPOSIS 1, ATTENUATED. Identifiers: MedGen C2713442, MONDO:0021056, OMIM 175100. Disease mechanism: loss of function.
Classic or attenuated familial adenomatous polyposis. Identifiers: MedGen CN372698, MONDO:0021057.
Hereditary cancer-predisposing syndrome. Also called: Hereditary Cancer Syndrome; Neoplastic Syndromes, Hereditary; Tumor predisposition; Hereditary neoplastic syndrome. Identifiers: Orphanet 140162, MedGen C0027672, MeSH D009386, MONDO:0015356.

Allele frequency attached by ClinVar (database versions not stated): gnomAD exomes below 0.00001 and 0.00001.

Submissions (5):

Labcorp Genetics (formerly Invitae), Labcorp
Classification: Uncertain significance for Familial adenomatous polyposis 1. Last evaluated: 2024-03-01. Review status: criteria provided, single submitter. Criteria: Invitae Variant Classification Sherloc (09022015). Collection method: clinical testing. Allele origin: germline.
Comment: This sequence change replaces asparagine, which is neutral and polar, with isoleucine, which is neutral and non-polar, at codon 2691 of the APC protein (p.Asn2691Ile). This variant is present in population databases (no rsID available, gnomAD 0.0009%). This variant has not been reported in the literature in individuals affected with APC-related conditions. ClinVar contains an entry for this variant (Variation ID: 490370). Advanced modeling of protein sequence and biophysical properties (such as structural, functional, and spatial information, amino acid conservation, physicochemical variation, residue mobility, and thermodynamic stability) performed at Invitae indicates that this missense variant is not expected to disrupt APC protein function with a negative predictive value of 95%. In summary, the available evidence is currently insufficient to determine the role of this variant in disease. Therefore, it has been classified as a Variant of Uncertain Significance.

Color Diagnostics, LLC DBA Color Health
Classification: Uncertain significance for Hereditary cancer-predisposing syndrome. Last evaluated: 2023-12-05. Review status: criteria provided, single submitter. Criteria: ACMG Guidelines, 2015. Collection method: clinical testing. Allele origin: germline.
Comment: This missense variant replaces asparagine with isoleucine at codon 2691 of the APC protein. Computational prediction suggests that this variant may not impact protein structure and function (internally defined REVEL score threshold <= 0.5, PMID: 27666373). To our knowledge, functional studies have not been reported for this variant. This variant has not been reported in individuals affected with APC-related disorders in the literature. This variant has been identified in 1/251334 chromosomes in the general population by the Genome Aggregation Database (gnomAD). The available evidence is insufficient to determine the role of this variant in disease conclusively. Therefore, this variant is classified as a Variant of Uncertain Significance.

All of Us Research Program, National Institutes of Health
Classification: Uncertain significance for Classic or attenuated familial adenomatous polyposis. Last evaluated: 2023-12-01. Review status: criteria provided, single submitter. Criteria: ACMG Guidelines, 2015. Collection method: clinical testing. Allele origin: germline. Inheritance: Autosomal dominant inheritance. Observed: 1 variant allele, 1 heterozygote.
Comment: This study involves interpretation of variants in research participants for the purpose of population health screening. Participant phenotype was not available at the time of variant classification. Additional details can be found in publication PMID: 35346344, PMCID: PMC8962531

Baylor Genetics
Classification: Uncertain significance for Familial adenomatous polyposis 1. Last evaluated: 2023-11-15. Review status: criteria provided, single submitter. Criteria: ACMG Guidelines, 2015. Collection method: clinical testing. Allele origin: unknown.

Ambry Genetics
Classification: Uncertain significance for Hereditary cancer-predisposing syndrome. Last evaluated: 2023-09-28. Review status: criteria provided, single submitter. Criteria: Ambry Variant Classification Scheme 2023. Collection method: clinical testing. Allele origin: germline.
Comment: The p.N2691I variant (also known as c.8072A>T), located in coding exon 15 of the APC gene, results from an A to T substitution at nucleotide position 8072. The asparagine at codon 2691 is replaced by isoleucine, an amino acid with dissimilar properties. This amino acid position is conserved. In addition, in silico predictors for this gene do not accurately predict pathogenicity. Since supporting evidence is limited at this time, the clinical significance of this alteration remains unclear.